The following is an entry in ClinVar:

ClinVar aggregate classification (germline): Uncertain significance. Review status: criteria provided, multiple submitters, no conflicts (2 of 4 stars). 2 submissions from 2 submitters: Uncertain significance (2). Last evaluated 2025-05-27.

Conditions:
Hypertrophic cardiomyopathy 12. Identifiers: MedGen C2677491, MONDO:0012804, OMIM 612124.
Dilated cardiomyopathy 1M (CMD1M). Identifiers: Orphanet 154, MedGen C1843808, MONDO:0011840, OMIM 607482.
Cardiovascular phenotype. Identifiers: MedGen CN230736.

Allele frequency attached by ClinVar (database versions not stated): TOPMed 0.00001; ExAC 0.00001; gnomAD exomes 0.00001.
gnomAD v4.1: 8 of 1,613,002 alleles (0.0005%); highest among the groups gnomAD compares: Middle Eastern, 0.019%; no homozygotes.

Submissions (2):

Ambry Genetics
Classification: Uncertain significance for Cardiovascular phenotype. Last evaluated: 2025-05-27. Review status: criteria provided, single submitter. Criteria: Ambry Variant Classification Scheme 2023. Collection method: clinical testing. Allele origin: germline.
Comment: The p.S54L variant (also known as c.161C>T), located in coding exon 2 of the CSRP3 gene, results from a C to T substitution at nucleotide position 161. The serine at codon 54 is replaced by leucine, an amino acid with dissimilar properties. This variant was reported in individual(s) with features consistent with hypertrophic cardiomyopathy (van Lint FHM et al. Neth Heart J, 2019 Jun;27:304-309; Mio C et al. Clin Genet, 2024 Oct;106:394-402). This amino acid position is highly conserved in available vertebrate species. In addition, this alteration is predicted to be deleterious by in silico analysis. Based on the available evidence, the clinical significance of this variant remains unclear.

Labcorp Genetics (formerly Invitae), Labcorp
Classification: Uncertain significance for Hypertrophic cardiomyopathy 12; Dilated cardiomyopathy 1M. Last evaluated: 2024-08-08. Review status: criteria provided, single submitter. Criteria: Invitae Variant Classification Sherloc (09022015). Collection method: clinical testing. Allele origin: germline.
Comment: This sequence change replaces serine, which is neutral and polar, with leucine, which is neutral and non-polar, at codon 54 of the CSRP3 protein (p.Ser54Leu). This variant is present in population databases (rs759455306, gnomAD 0.003%). This missense change has been observed in individual(s) with hypertrophic cardiomyopathy (PMID: 30847666). ClinVar contains an entry for this variant (Variation ID: 1776572). An algorithm developed to predict the effect of missense changes on protein structure and function (PolyPhen-2) suggests that this variant is likely to be disruptive. In summary, the available evidence is currently insufficient to determine the role of this variant in disease. Therefore, it has been classified as a Variant of Uncertain Significance.

Literature cited by the submitters: PubMed 30847666 (cited by Ambry Genetics and Labcorp Genetics (formerly Invitae), Labcorp); PubMed 38837338 (cited by Ambry Genetics).

NM_003476.5(CSRP3):c.161C>T (p.Ser54Leu)

Gene: CSRP3 (cysteine and glycine rich protein 3; minus strand). Cytogenetic location: 11p15.1.
Variant type: single nucleotide variant.
Coding change: c.161C>T on transcript NM_003476.5 (MANE Select); coding-DNA position 161, C replaced by T.
Protein change: p.Ser54Leu; replaces serine 54 with leucine.
Molecular consequence: missense variant. On other transcripts: intron variant (1).
Genome position (GRCh38, 1-based): chr11:19,188,256, G>A on the plus strand (C>T on the coding strand, the complement: CSRP3 is on the minus strand). VCF-style: chr11-19188256-G-A. GRCh37 (hg19) VCF-style: chr11-19209803-G-A.
Other names: c.161C>T, p.Ser54Leu (NM_001127656.1); c.113-1908C>T (NM_001369404.1); short protein forms S54L.
Identifiers: ClinVar variation 1776572 (VCV001776572.5), dbSNP rs759455306, ClinGen allele CA5916634.
Genomic context (GRCh38, chr11:19,188,256, plus strand): 5'-CCATACCCGATCCCTTTGGGGCCATATCTGCGCCCATAGCACACCTTGCAGTAGATCTCC[G>A]ACTCATGAGCCGCGACTGTCGTGCTGTCAAGAGCCTTCCTGCAGGCCACTGCCAGGAAAA-3'
Protein context (NP_003467.1, residues 44-64): LDSTTVAAHE[Ser54Leu]EIYCKVCYGR